The following is an entry in ClinVar:

ClinVar aggregate classification (germline): Likely benign (1 of 4 stars; one submission).

Allele frequency attached by ClinVar (database versions not stated): gnomAD exomes below 0.00001 and 0.00002; ExAC 0.00002; TOPMed 0.00003; gnomAD 0.00005; 1000 Genomes Project 30x 0.00016; 1000 Genomes Project 0.00020.
gnomAD v4.1: 10 of 1,612,328 alleles (0.00062%); highest among the groups gnomAD compares: African/African-American, 0.013%; no homozygotes.

Submission:

GeneDx
Classification: Likely benign. Last evaluated: 2017-08-15. Review status: criteria provided, single submitter. Criteria: GeneDx Variant Classification (06012015). Collection method: clinical testing. Allele origin: germline. Affected: yes.
Comment: This variant is considered likely benign or benign based on one or more of the following criteria: it is a conservative change, it occurs at a poorly conserved position in the protein, it is predicted to be benign by multiple in silico algorithms, and/or has population frequency not consistent with disease.

NM_182961.4(SYNE1):c.3838-6T>A

Gene: SYNE1 (spectrin repeat containing nuclear envelope protein 1; minus strand). Cytogenetic location: 6q25.2.
Variant type: single nucleotide variant.
Coding change: c.3838-6T>A on transcript NM_182961.4 (MANE Select); 6 bases into the intron before coding-DNA position 3838, T replaced by A.
Molecular consequence: intron variant.
Genome position (GRCh38, 1-based): chr6:152,442,251, A>T on the plus strand (T>A on the coding strand, the complement: SYNE1 is on the minus strand). VCF-style: chr6-152442251-A-T. GRCh37 (hg19) VCF-style: chr6-152763386-A-T.
Other names: c.3859-6T>A (NM_033071.5).
Identifiers: ClinVar variation 511507 (VCV000511507.1), dbSNP rs549548104, ClinGen allele CA4058736.